The following is an entry in ClinVar:

NM_003151.4(STAT4):c.372+3A>G

Gene: STAT4 (signal transducer and activator of transcription 4; minus strand). Cytogenetic location: 2q32.2.
Variant type: single nucleotide variant.
Coding change: c.372+3A>G on transcript NM_003151.4 (MANE Select); 3 bases into the intron after coding-DNA position 372, A replaced by G.
Molecular consequence: intron variant.
Genome position (GRCh38, 1-based): chr2:191,076,224, T>C on the plus strand (A>G on the coding strand, the complement: STAT4 is on the minus strand). VCF-style: chr2-191076224-T-C. GRCh37 (hg19) VCF-style: chr2-191940950-T-C.
Other names: c.372+3A>G (NM_001243835.2).
Identifiers: ClinVar variation 1988448 (VCV001988448.4), dbSNP rs368710692, ClinGen allele CA62699785.

ClinVar aggregate classification (germline): Uncertain significance (1 of 4 stars; one submission).

Allele frequency attached by ClinVar (database versions not stated): gnomAD exomes below 0.00001; TOPMed below 0.00001; ESP Exome Variant Server 0.00008.
gnomAD v4.1: 2 of 1,611,824 alleles (0.00012%); highest among the groups gnomAD compares: Non-Finnish European, 0.00017%; no homozygotes.

Submission:

Labcorp Genetics (formerly Invitae), Labcorp
Classification: Uncertain significance. Last evaluated: 2025-08-02. Review status: criteria provided, single submitter. Criteria: Invitae Variant Classification Sherloc (09022015). Collection method: clinical testing. Allele origin: germline.
Comment: This sequence change falls in intron 4 of the STAT4 gene. It does not directly change the encoded amino acid sequence of the STAT4 protein. It affects a nucleotide within the consensus splice site. This variant is not present in population databases (gnomAD no frequency). This variant has not been reported in the literature in individuals affected with STAT4-related conditions. ClinVar contains an entry for this variant (Variation ID: 1988448). Variants that disrupt the consensus splice site are a relatively common cause of aberrant splicing (PMID: 17576681, 9536098). Algorithms developed to predict the effect of sequence changes on RNA splicing suggest that this variant is not likely to affect RNA splicing. In summary, the available evidence is currently insufficient to determine the role of this variant in disease. Therefore, it has been classified as a Variant of Uncertain Significance.

Literature cited by the submitters: PubMed 17576681; PubMed 9536098.